The following is an entry in ClinVar:

ClinVar aggregate classification (germline): Likely benign (0 of 4 stars; one submission).

Conditions:
RPIA-related disorder. Also called: RPIA-related condition.

Allele frequency attached by ClinVar (database versions not stated): gnomAD 0.00001; ExAC 0.00002; TOPMed 0.00002.
gnomAD v4.1: 6 of 1,614,044 alleles (0.00037%); highest among the groups gnomAD compares: Admixed American, 0.0017%; no homozygotes.

Submission:

PreventionGenetics, part of Exact Sciences
Classification: Likely benign for RPIA-related condition. Last evaluated: 2019-03-28. Review status: no assertion criteria provided. Collection method: clinical testing. Allele origin: germline.
Comment: This variant is classified as likely benign based on ACMG/AMP sequence variant interpretation guidelines (Richards et al. 2015 PMID: 25741868, with internal and published modifications).

NM_144563.3(RPIA):c.463-10C>T

Gene: RPIA (ribose 5-phosphate isomerase A; plus strand). Cytogenetic location: 2p11.2.
Variant type: single nucleotide variant.
Coding change: c.463-10C>T on transcript NM_144563.3 (MANE Select); 10 bases into the intron before coding-DNA position 463, C replaced by T.
Molecular consequence: intron variant.
Genome position (GRCh38, 1-based): chr2:88,734,542, C>T. VCF-style: chr2-88734542-C-T. GRCh37 (hg19) VCF-style: chr2-89034059-C-T.
Identifiers: ClinVar variation 3049376 (VCV003049376.2), dbSNP rs746944729, ClinGen allele CA1755225.
Genomic context (GRCh38, chr2:88,734,542, plus strand): 5'-CGCATGCTCAGGCAATTAGCAGAGGCTCCCCTCGAGTGGTTTTTGTATCTTTACCTTTCC[C>T]CCAATACAGATCGACCTTGCCATCGATGGTGCTGATGAAGTAGATGCTGATCTCAATCTC-3'